The following is an entry in ClinVar:

NM_000138.5(FBN1):c.3336G>A (p.Met1112Ile)

Gene: FBN1 (fibrillin 1; minus strand). Cytogenetic location: 15q21.1.
Variant type: single nucleotide variant.
Coding change: c.3336G>A on transcript NM_000138.5 (MANE Select); coding-DNA position 3336, G replaced by A.
Protein change: p.Met1112Ile; replaces methionine 1112 with isoleucine.
Molecular consequence: missense variant.
Genome position (GRCh38, 1-based): chr15:48,488,114, C>T on the plus strand (G>A on the coding strand, the complement: FBN1 is on the minus strand). VCF-style: chr15-48488114-C-T. GRCh37 (hg19) VCF-style: chr15-48780311-C-T.
Other names: c.3336G>A, p.Met1112Ile (NM_001406716.1); short protein forms M1112I.
Identifiers: ClinVar variation 3769049 (VCV003769049.3).
Genomic context (GRCh38, chr15:48,488,114, plus strand): 5'-CCATCAAAGCTTCATGGAATCCTTCTCTTTCTGTGTTGATCAAATGATCCCAAACTTACC[C>T]ATGCAGTTCTTCATCATCATGAATCCACTTTCATAGCCTTCGTCACACTTGCATTCAAAG-3'
Protein context (NP_000129.3, residues 1102-1122): ESGFMMMKNC[Met1112Ile]DIDECQRDPL

ClinVar aggregate classification (germline): Uncertain significance. Review status: criteria provided, multiple submitters, no conflicts (2 of 4 stars). 3 submissions from 3 submitters: Uncertain significance (3). Last evaluated 2025-08-04.

Conditions:
Familial thoracic aortic aneurysm and aortic dissection (TAAD). Also called: Thoracic aortic aneurysms and dissections. Identifiers: Orphanet 91387, MedGen C4707243, MONDO:0019625.

Submissions (3):

Color Diagnostics, LLC DBA Color Health
Classification: Uncertain significance for Familial thoracic aortic aneurysm and aortic dissection. Last evaluated: 2025-08-04. Review status: criteria provided, single submitter. Criteria: ACMG Guidelines, 2015. Collection method: clinical testing. Allele origin: germline.
Comment: This missense variant replaces methionine with isoleucine at codon 1112 of the FBN1 protein. Computational prediction is inconclusive regarding the impact of this variant on protein structure and function. To our knowledge, functional studies have not been reported for this variant. This variant has not been reported in individuals affected with FBN1-related disorders in the literature. This variant has not been identified in the general population by the Genome Aggregation Database (gnomAD). The available evidence is insufficient to determine the role of this variant in disease conclusively. Therefore, this variant is classified as a Variant of Uncertain Significance.

Women's Health and Genetics/Laboratory Corporation of America, LabCorp
Classification: Uncertain significance. Last evaluated: 2025-02-13. Review status: criteria provided, single submitter. Criteria: LabCorp Variant Classification Summary - May 2015. Collection method: clinical testing. Allele origin: germline.
Comment: Variant summary: FBN1 c.3336G>A (p.Met1112Ile) results in a conservative amino acid change located in the Epidurmal growth factor-like domain (IPR000742) of the encoded protein sequence near the exon 27 / intron 27 splice donor site. Three of five in-silico tools predict a damaging effect of the variant on protein function. Consensus agreement among computation tools predict no significant impact on normal splicing. However, these predictions have yet to be confirmed by functional studies. The variant was absent in 251476 control chromosomes. The available data on variant occurrences in the general population are insufficient to allow any conclusion about variant significance. To our knowledge, no occurrence of c.3336G>A in individuals affected with Marfan Syndrome and no experimental evidence demonstrating its impact on protein function have been reported. No submitters have cited clinical-significance assessments for this variant to ClinVar. Based on the evidence outlined above, the variant was classified as uncertain significance.

Blueprint Genetics
Classification: Uncertain significance. Last evaluated: 2024-11-06. Review status: criteria provided, single submitter. Criteria: ACMG Guidelines, 2015. Collection method: clinical testing. Allele origin: germline.